The following is an entry in ClinVar:

NM_152683.4(PRIMPOL):c.1634_1638del (p.Glu545fs)

Genes: CENPU (centromere protein U; minus strand), PRIMPOL (primase and DNA directed polymerase; plus strand). Cytogenetic location: 4q35.1.
Variant type: Deletion.
Coding change: c.1634_1638del on transcript NM_152683.4 (MANE Select); coding-DNA positions 1634 to 1638, 5 bases deleted (AAGTG; older notation c.1634_1638delAAGTG).
Protein change: p.Glu545fs; shifts the reading frame from glutamic acid 545.
Molecular consequence: frameshift variant. On other transcripts: non-coding transcript variant (4), 3 prime UTR variant (1).
Genome position (GRCh38, 1-based): chr4:184,694,730-184,694,734, AAGTG deleted; deleting any 5 consecutive bases within chr4:184,694,726-184,694,734 gives the same sequence; the c. name uses the placement nearest the transcript's 3' end. VCF-style (leftmost placement, unchanged base first): chr4-184694725-CAGTGA-C. GRCh37 (hg19) VCF-style: chr4-185615879-CAGTGA-C.
Other names: c.1247_1251del, p.Glu416fs (NM_001300767.2); c.1631_1635del, p.Glu544fs (NM_001300768.2, NM_001345896.2); c.1673_1677del, p.Glu558fs (NM_001345891.2); c.1670_1674del, p.Glu557fs (NM_001345892.2, NM_001345893.2); c.977_981del, p.Glu326fs (NM_001345894.2); c.1634_1638del, p.Glu545fs (NM_001345895.2); c.938_942del, p.Glu313fs (NM_001345897.2, NM_001345901.2); c.935_939del, p.Glu312fs (NM_001345898.2); and 4 more; short protein forms E312fs, E313fs, E326fs, E370fs, E416fs, E461fs, E544fs, E545fs.
Identifiers: ClinVar variation 3768501 (VCV003768501.1).

ClinVar aggregate classification (germline): Uncertain significance (1 of 4 stars; one submission).

Submission:

Women's Health and Genetics/Laboratory Corporation of America, LabCorp
Classification: Uncertain significance. Last evaluated: 2024-12-20. Review status: criteria provided, single submitter. Criteria: LabCorp Variant Classification Summary - May 2015. Collection method: clinical testing. Allele origin: germline.
Comment: Variant summary: PRIMPOL c.1634_1638delAAGTG (p.Glu545GlyfsX2) results in a premature termination codon, predicted to cause a truncation of the encoded protein, however current evidence is not sufficient to establish loss of function as a mechanism for disease and no downstream pathogenic variants have been associated with disease. The variant allele was found at a frequency of 4e-06 in 248716 control chromosomes. The available data on variant occurrences in the general population are insufficient to allow any conclusion about variant significance. To our knowledge, no occurrence of c.1634_1638delAAGTG in individuals affected with Myopia 22, Autosomal Dominant and no experimental evidence demonstrating its impact on protein function have been reported. No submitters have cited clinical-significance assessments for this variant to ClinVar. Based on the evidence outlined above, the variant was classified as uncertain significance.